The following is an entry in ClinVar:

NM_000180.4(GUCY2D):c.1750-7C>G

Gene: GUCY2D (guanylate cyclase 2D, retinal; plus strand). Cytogenetic location: 17p13.1.
Variant type: single nucleotide variant.
Coding change: c.1750-7C>G on transcript NM_000180.4 (MANE Select); 7 bases into the intron before coding-DNA position 1750, C replaced by G.
Molecular consequence: intron variant.
Genome position (GRCh38, 1-based): chr17:8,012,137, C>G. VCF-style: chr17-8012137-C-G. GRCh37 (hg19) VCF-style: chr17-7915455-C-G.
Identifiers: ClinVar variation 712631 (VCV000712631.15), dbSNP rs918147589, ClinGen allele CA8365887.

ClinVar aggregate classification (germline): Conflicting classifications of pathogenicity. Review status: criteria provided, conflicting classifications (1 of 4 stars). 5 submissions from 5 submitters: Uncertain significance (4); Likely benign (1). Last evaluated 2025-10-10.

Conditions:
GUCY2D-related disorder. Also called: GUCY2D-related condition.
Leber congenital amaurosis 1 (LCA1). Also called: RETINAL BLINDNESS, CONGENITAL; Congenital absence of the rods and cones; Leber's congenital tapetoretinal degeneration; Leber's congenital tapetoretinal dysplasia; AMAUROSIS CONGENITA OF LEBER I. Identifiers: Orphanet 65, MedGen C2931258, MONDO:0008764, OMIM 204000.
Cone-rod dystrophy 6 (CORD6). Also called: Cone dystrophy progressive; RETINAL CONE DYSTROPHY 2. Identifiers: Orphanet 1872, MedGen C1866293, MONDO:0011143, OMIM 601777.

Allele frequency attached by ClinVar (database versions not stated): gnomAD 0.00001; ExAC 0.00002; TOPMed 0.00002.
gnomAD v4.1: 29 of 1,609,890 alleles (0.0018%); highest among the groups gnomAD compares: Admixed American, 0.0067%; no homozygotes.

Submissions (5):

Dasa
Classification: Uncertain significance. Last evaluated: 2025-10-10. Review status: criteria provided, single submitter. Criteria: DASA Assertion Criteria. Collection method: clinical testing. Allele origin: germline.
Comment: NM_000180.4(GUCY2D):c.1750-7C>G is a splice-region variant. This variant is rare in population databases. Computational prediction algorithms are consistent with a deleterious effect. The currently available literature and clinical evidence are not sufficient to establish a definitive association between this variant and the reported condition. Therefore, this variant is classified as a variant of uncertain significance.

PreventionGenetics, part of Exact Sciences
Classification: Uncertain significance for GUCY2D-related condition. Last evaluated: 2025-02-03. Review status: criteria provided, single submitter. Criteria: ACMG Guidelines, 2015. Collection method: clinical testing. Allele origin: germline.
Comment: The GUCY2D c.1750-7C>G variant is predicted to interfere with splicing. To our knowledge, this variant has not been reported in the literature. This variant is reported in 0.0058% of alleles in individuals of Latino descent in gnomAD. This variant is predicted to alter splicing based on available splicing prediction programs (SpliceAI, Jaganathan et al. 2019. PubMed ID: 30661751). However, the use of computer prediction programs is not equivalent to functional evidence. At this time, the clinical significance of this variant is uncertain due to the absence of conclusive functional and genetic evidence.

Labcorp Genetics (formerly Invitae), Labcorp
Classification: Likely benign for Leber congenital amaurosis 1; Cone-rod dystrophy 6. Last evaluated: 2023-12-21. Review status: criteria provided, single submitter. Criteria: Invitae Variant Classification Sherloc (09022015). Collection method: clinical testing. Allele origin: germline.

GeneDx
Classification: Uncertain significance. Last evaluated: 2023-05-08. Review status: criteria provided, single submitter. Criteria: GeneDx Variant Classification Process June 2021. Collection method: clinical testing. Allele origin: germline. Affected: yes.
Comment: Has not been previously published as pathogenic or benign to our knowledge; In silico analysis suggests this variant may impact gene splicing. In the absence of RNA/functional studies, the actual effect of this sequence change is unknown.

Blueprint Genetics
Classification: Uncertain significance. Last evaluated: 2019-11-07. Review status: criteria provided, single submitter. Criteria: ACMG Guidelines, 2015. Collection method: clinical testing. Allele origin: germline.